The following is an entry in ClinVar:

ClinVar aggregate classification (germline): Pathogenic (1 of 4 stars; one submission).

Submission:

Labcorp Genetics (formerly Invitae), Labcorp
Classification: Pathogenic. Last evaluated: 2024-01-18. Review status: criteria provided, single submitter. Criteria: Invitae Variant Classification Sherloc (09022015). Collection method: clinical testing. Allele origin: germline.
Comment: This sequence change creates a premature translational stop signal (p.Leu155Trpfs*13) in the ASNS gene. It is expected to result in an absent or disrupted protein product. Loss-of-function variants in ASNS are known to be pathogenic (PMID: 27422383, 30057589). This variant is not present in population databases (gnomAD no frequency). This variant has not been reported in the literature in individuals affected with ASNS-related conditions. ClinVar contains an entry for this variant (Variation ID: 2118105). For these reasons, this variant has been classified as Pathogenic.

Literature cited by the submitters: PubMed 27422383; PubMed 30057589.

NM_001673.5(ASNS):c.464del (p.Leu155fs)

Genes: ASNS (asparagine synthetase (glutamine-hydrolyzing); minus strand), CZ1P-ASNS (CZ1P-ASNS readthrough; minus strand). Cytogenetic location: 7q21.3.
Variant type: Deletion.
Coding change: c.464del on transcript NM_001673.5 (MANE Select); coding-DNA position 464, one base deleted (T; older notation c.464delT).
Protein change: p.Leu155fs; shifts the reading frame from leucine 155.
Molecular consequence: frameshift variant. On other transcripts: non-coding transcript variant (1).
Genome position (GRCh38, 1-based): chr7:97,864,282, A deleted on the plus strand (T on the coding strand, the reverse complement: ASNS is on the minus strand); the first of 5 consecutive A bases (chr7:97,864,282-97,864,286); deleting any one gives the same sequence. VCF-style (leftmost placement, unchanged base first): chr7-97864281-CA-C. GRCh37 (hg19) VCF-style: chr7-97493593-CA-C.
Other names: c.401del, p.Leu134fs (NM_001178075.2); c.215del, p.Leu72fs (NM_001178076.2, NM_001178077.1); c.464del, p.Leu155fs (NM_001352496.2, NM_133436.3, NM_183356.4); short protein forms L72fs, L134fs, L155fs.
Identifiers: ClinVar variation 2118105 (VCV002118105.4), dbSNP rs2484681831, ClinGen allele CA2580077943.